The following is an entry in ClinVar:

NC_000022.10:g.(?_25597364)_(26272319_?)dup

Genes: CRYBB2 (crystallin beta B2; plus strand), CRYBB3 (crystallin beta B3; plus strand), GRK3 (G protein-coupled receptor kinase 3; plus strand), MYO18B (myosin XVIIIB; plus strand). Cytogenetic location: 22q11.23-12.1.
Variant type: Duplication.
Identifiers: ClinVar variation 1439201 (VCV001439201.5).

ClinVar aggregate classification (germline): Uncertain significance (1 of 4 stars; one submission).

Submission:

Labcorp Genetics (formerly Invitae), Labcorp
Classification: Uncertain significance. Last evaluated: 2022-01-14. Review status: criteria provided, single submitter. Criteria: Invitae Variant Classification Sherloc (09022015). Collection method: clinical testing. Allele origin: germline.
Comment: In summary, the available evidence is currently insufficient to determine the role of this variant in disease. Therefore, it has been classified as a Variant of Uncertain Significance. Experimental studies and prediction algorithms are not available or were not evaluated, and the functional significance of this variant is currently unknown. This variant has not been reported in the literature in individuals affected with MYO18B-related conditions. This variant results in a copy number gain of the genomic region encompassing exon(s) 1-24 of the MYO18B gene. This region includes the initiator codon of the gene. This copy number gain extends beyond the assayed region for this gene and therefore may encompass additional genes. As the precise location of this event is unknown, it may be in tandem or it may be located elsewhere in the genome.